The following is an entry in ClinVar:

ClinVar aggregate classification (germline): Uncertain significance. Review status: criteria provided, multiple submitters, no conflicts (2 of 4 stars). 3 submissions from 3 submitters: Uncertain significance (3). Last evaluated 2022-07-06.

Conditions:
Infantile cerebellar-retinal degeneration (ICRD). Identifiers: Orphanet 313850, MedGen C3281192, MONDO:0013802, OMIM 614559.

Submissions (3):

Labcorp Genetics (formerly Invitae), Labcorp
Classification: Uncertain significance. Last evaluated: 2022-07-06. Review status: criteria provided, single submitter. Criteria: Invitae Variant Classification Sherloc (09022015). Collection method: clinical testing. Allele origin: germline.
Comment: In summary, the available evidence is currently insufficient to determine the role of this variant in disease. Therefore, it has been classified as a Variant of Uncertain Significance. Variants that disrupt the consensus splice site are a relatively common cause of aberrant splicing (PMID: 17576681, 9536098). Algorithms developed to predict the effect of sequence changes on RNA splicing suggest that this variant may disrupt the consensus splice site. ClinVar contains an entry for this variant (Variation ID: 1321277). This variant has not been reported in the literature in individuals affected with ACO2-related conditions. This variant is not present in population databases (gnomAD no frequency). This sequence change affects codon 344 of the ACO2 mRNA. It is a 'silent' change, meaning that it does not change the encoded amino acid sequence of the ACO2 protein. This variant also falls at the last nucleotide of exon 8, which is part of the consensus splice site for this exon.

3billion
Classification: Uncertain significance for Infantile cerebellar-retinal degeneration. Last evaluated: 2021-10-25. Review status: criteria provided, single submitter. Criteria: ACMG Guidelines, 2015. Collection method: clinical testing. Allele origin: unknown. Affected: yes. Observed: 1 heterozygote.
Comment: This varant is not observed in the gnomAD v2.1.1 dataset (PM2).In silico tools predict the variant to alter splicing and produce an abnormal transcript (SpliceAI:0.87). Therefore, this variant is classified as uncertain significance according to the recommendation of ACMG/AMP guideline.

Blueprint Genetics
Classification: Uncertain significance. Last evaluated: 2021-04-06. Review status: criteria provided, single submitter. Criteria: ACMG Guidelines, 2015. Collection method: clinical testing. Allele origin: germline.

Literature cited by the submitters: PubMed 17576681 (cited by Labcorp Genetics (formerly Invitae), Labcorp); PubMed 9536098 (cited by Labcorp Genetics (formerly Invitae), Labcorp).

NM_001098.3(ACO2):c.1032G>A (p.Glu344=)

Gene: ACO2 (aconitase 2; plus strand). Cytogenetic location: 22q13.2.
Variant type: single nucleotide variant.
Coding change: c.1032G>A on transcript NM_001098.3 (MANE Select); coding-DNA position 1032, G replaced by A.
Protein change: p.Glu344=; no amino-acid change (glutamic acid 344 retained).
Molecular consequence: synonymous variant.
Genome position (GRCh38, 1-based): chr22:41,518,572, G>A. VCF-style: chr22-41518572-G-A. GRCh37 (hg19) VCF-style: chr22-41914576-G-A.
Identifiers: ClinVar variation 1321277 (VCV001321277.8), dbSNP rs2146128614, ClinGen allele CA514652442.